The following is an entry in ClinVar:

ClinVar aggregate classification (germline): Uncertain significance (1 of 4 stars; one submission).

Conditions:
Hereditary cancer-predisposing syndrome. Also called: Neoplastic Syndromes, Hereditary; Tumor predisposition; Hereditary neoplastic syndrome; Hereditary Cancer Syndrome. Identifiers: Orphanet 140162, MedGen C0027672, MeSH D009386, MONDO:0015356.

Submission:

Ambry Genetics
Classification: Uncertain significance for Hereditary cancer-predisposing syndrome. Last evaluated: 2023-02-15. Review status: criteria provided, single submitter. Criteria: Ambry Variant Classification Scheme 2023. Collection method: clinical testing. Allele origin: germline.
Comment: The p.P1257T variant (also known as c.3769C>A), located in coding exon 19 of the BLM gene, results from a C to A substitution at nucleotide position 3769. The proline at codon 1257 is replaced by threonine, an amino acid with highly similar properties. This amino acid position is conserved. In addition, the in silico prediction for this alteration is inconclusive. Since supporting evidence is limited at this time, the clinical significance of this alteration remains unclear.

NM_000057.4(BLM):c.3769C>A (p.Pro1257Thr)

Gene: BLM (BLM RecQ like helicase; plus strand). Cytogenetic location: 15q26.1.
Variant type: single nucleotide variant.
Coding change: c.3769C>A on transcript NM_000057.4 (MANE Select); coding-DNA position 3769, C replaced by A.
Protein change: p.Pro1257Thr; replaces proline 1257 with threonine.
Molecular consequence: missense variant.
Genome position (GRCh38, 1-based): chr15:90,809,154, C>A. VCF-style: chr15-90809154-C-A. GRCh37 (hg19) VCF-style: chr15-91352384-C-A.
Other names: c.3376C>A, p.Pro1126Thr (NM_001287247.2); c.2644C>A, p.Pro882Thr (NM_001287248.2); c.3769C>A, p.Pro1257Thr (NM_001287246.2); short protein forms P882T, P1126T, P1257T.
Identifiers: ClinVar variation 2452565 (VCV002452565.2), dbSNP rs144964365, ClinGen allele CA393849618.